The following is an entry in ClinVar:

ClinVar aggregate classification (germline): Uncertain significance (1 of 4 stars; one submission).

Conditions:
Neurofibromatosis, type 1 (NF1). Also called: Peripheral type neurofibromatosis; VON RECKLINGHAUSEN DISEASE; Neurofibromatosis, type I; NEUROFIBROMATOSIS, TYPE I, SOMATIC. Identifiers: Orphanet 636, MedGen C0027831, MONDO:0018975, OMIM 162200. Disease mechanism: loss of function.

Submission:

Labcorp Genetics (formerly Invitae), Labcorp
Classification: Uncertain significance for Neurofibromatosis, type 1. Last evaluated: 2022-06-22. Review status: criteria provided, single submitter. Criteria: Invitae Variant Classification Sherloc (09022015). Collection method: clinical testing. Allele origin: germline.
Comment: This variant has not been reported in the literature in individuals affected with NF1-related conditions. This sequence change replaces glutamine, which is neutral and polar, with arginine, which is basic and polar, at codon 1086 of the NF1 protein (p.Gln1086Arg). This variant is not present in population databases (gnomAD no frequency). Algorithms developed to predict the effect of missense changes on protein structure and function are either unavailable or do not agree on the potential impact of this missense change (SIFT: "Deleterious"; PolyPhen-2: "Benign"; Align-GVGD: "Class C0"). In summary, the available evidence is currently insufficient to determine the role of this variant in disease. Therefore, it has been classified as a Variant of Uncertain Significance.

NM_001042492.3(NF1):c.3257A>G (p.Gln1086Arg)

Gene: NF1 (neurofibromin 1; plus strand). Cytogenetic location: 17q11.2.
Variant type: single nucleotide variant.
Coding change: c.3257A>G on transcript NM_001042492.3 (MANE Select); coding-DNA position 3257, A replaced by G.
Protein change: p.Gln1086Arg; replaces glutamine 1086 with arginine.
Molecular consequence: missense variant.
Genome position (GRCh38, 1-based): chr17:31,232,132, A>G. VCF-style: chr17-31232132-A-G. GRCh37 (hg19) VCF-style: chr17-29559150-A-G.
Other names: c.3257A>G, p.Gln1086Arg (NM_000267.4); short protein forms Q1086R.
Identifiers: ClinVar variation 1978011 (VCV001978011.5), dbSNP rs2151433779, ClinGen allele CA398988811.
Genomic context (GRCh38, chr17:31,232,132, plus strand): 5'-GAGATTTGGACCAGGCAAGCATGGAAGCAGTAGTTTCACTTCTAGCTGGTCTCCCTCTGC[A>G]GCCTGAAGAAGGAGATGGTGTGGAATTGATGGAAGCCAAATCACAGTTATTTCTTAAGTA-3'
Protein context (NP_001035957.1, residues 1076-1096): VVSLLAGLPL[Gln1086Arg]PEEGDGVELM